The following is an entry in ClinVar:

ClinVar aggregate classification (germline): Uncertain significance (1 of 4 stars; one submission).

Conditions:
Bainbridge-Ropers syndrome. Also called: Severe feeding difficulties-failure to thrive-microcephaly due to ASXL3 deficiency syndrome. Identifiers: Orphanet 352577, MedGen C4750837, MONDO:0014205, OMIM 615485.

Allele frequency attached by ClinVar (database versions not stated): gnomAD exomes 0.00001; TOPMed below 0.00001.
gnomAD v4.1: 8 of 1,613,896 alleles (0.0005%); highest among the groups gnomAD compares: Non-Finnish European, 0.00068%; no homozygotes.

Submission:

Victorian Clinical Genetics Services, Murdoch Childrens Research Institute
Classification: Uncertain significance for Bainbridge-Ropers syndrome. Last evaluated: 2020-06-11. Review status: criteria provided, single submitter. Criteria: ACMG Guidelines, 2015. Collection method: clinical testing. Allele origin: germline. Inheritance: Autosomal dominant inheritance.
Comment: Based on the classification scheme VCGS_Germline_v1.1.1, this variant is classified as 3C-VUS. Following criteria are met: 0107 - This gene is known to be associated with autosomal dominant disease. (N) 0200 - Variant is predicted to result in a missense amino acid change from serine to proline (exon 12). (N) 0251 - Variant is heterozygous. (N) 0301 - Variant is absent from gnomAD. (P) 0503 - Missense variant consistently predicted to be tolerated with low conservation in mammals and a moderate amino acid change. (B) 0504 - Same amino acid change has been observed in mammals. (B) 0705 - No comparable variants have previous evidence for pathogenicity. (N) 0807 - Variant has not previously been reported in a clinical context. (N) Legend: (P) - Pathogenic, (N) - Neutral, (B) - Benign

NM_030632.3(ASXL3):c.3433T>C (p.Ser1145Pro)

Gene: ASXL3 (ASXL transcriptional regulator 3; plus strand). Cytogenetic location: 18q12.1.
Variant type: single nucleotide variant.
Coding change: c.3433T>C on transcript NM_030632.3 (MANE Select); coding-DNA position 3433, T replaced by C.
Protein change: p.Ser1145Pro; replaces serine 1145 with proline.
Molecular consequence: missense variant.
Genome position (GRCh38, 1-based): chr18:33,743,281, T>C. VCF-style: chr18-33743281-T-C. GRCh37 (hg19) VCF-style: chr18-31323245-T-C.
Other names: short protein forms S1145P.
Identifiers: ClinVar variation 1805481 (VCV001805481.1), dbSNP rs2067698081, ClinGen allele CA402185327.